The following is an entry in ClinVar:

ClinVar aggregate classification (germline): Uncertain significance. Review status: criteria provided, multiple submitters, no conflicts (2 of 4 stars). 2 submissions from 2 submitters: Uncertain significance (2). Last evaluated 2025-08-12.

Conditions:
Hereditary cancer-predisposing syndrome. Also called: Neoplastic Syndromes, Hereditary; Hereditary Cancer Syndrome; Hereditary neoplastic syndrome; Tumor predisposition. Identifiers: Orphanet 140162, MedGen C0027672, MeSH D009386, MONDO:0015356.

Submissions (2):

Labcorp Genetics (formerly Invitae), Labcorp
Classification: Uncertain significance. Last evaluated: 2025-08-12. Review status: criteria provided, single submitter. Criteria: Invitae Variant Classification Sherloc (09022015). Collection method: clinical testing. Allele origin: germline.
Comment: This sequence change replaces phenylalanine, which is neutral and non-polar, with leucine, which is neutral and non-polar, at codon 160 of the MSH3 protein (p.Phe160Leu). This variant is present in population databases (no rsID available, gnomAD 0.007%). This variant has not been reported in the literature in individuals affected with MSH3-related conditions. ClinVar contains an entry for this variant (Variation ID: 1438323). An algorithm developed to predict the effect of missense changes on protein structure and function outputs the following: PolyPhen-2: "Benign". The leucine amino acid residue is found in multiple mammalian species, which suggests that this missense change does not adversely affect protein function. In summary, the available evidence is currently insufficient to determine the role of this variant in disease. Therefore, it has been classified as a Variant of Uncertain Significance.

Ambry Genetics
Classification: Uncertain significance for Hereditary cancer-predisposing syndrome. Last evaluated: 2021-03-13. Review status: criteria provided, single submitter. Criteria: Ambry Variant Classification Scheme 2023. Collection method: clinical testing. Allele origin: germline.
Comment: The p.F160L variant (also known as c.478T>C), located in coding exon 3 of the MSH3 gene, results from a T to C substitution at nucleotide position 478. The phenylalanine at codon 160 is replaced by leucine, an amino acid with highly similar properties. This amino acid position is not well conserved in available vertebrate species, and leucine is the reference amino acid in other vertebrate species. In addition, this alteration is predicted to be tolerated by in silico analysis. Since supporting evidence is limited at this time, the clinical significance of this alteration remains unclear.

NM_002439.5(MSH3):c.478T>C (p.Phe160Leu)

Gene: MSH3 (mutS homolog 3; plus strand). Cytogenetic location: 5q14.1.
Variant type: single nucleotide variant.
Coding change: c.478T>C on transcript NM_002439.5 (MANE Select); coding-DNA position 478, T replaced by C.
Protein change: p.Phe160Leu; replaces phenylalanine 160 with leucine.
Molecular consequence: missense variant.
Genome position (GRCh38, 1-based): chr5:80,665,262, T>C. VCF-style: chr5-80665262-T-C. GRCh37 (hg19) VCF-style: chr5-79961081-T-C.
Other names: short protein forms F160L.
Identifiers: ClinVar variation 1438323 (VCV001438323.10), dbSNP rs1289228012, ClinGen allele CA360263722.